The following is an entry in ClinVar:

NM_005732.4(RAD50):c.2952del (p.Ile984fs)

Gene: RAD50 (RAD50 double strand break repair protein; plus strand). Cytogenetic location: 5q31.1.
Variant type: Deletion.
Coding change: c.2952del on transcript NM_005732.4 (MANE Select); coding-DNA position 2952, one base deleted (A; older notation c.2952delA).
Protein change: p.Ile984fs; shifts the reading frame from isoleucine 984.
Molecular consequence: frameshift variant.
Genome position (GRCh38, 1-based): chr5:132,609,312, A deleted. VCF-style (leftmost placement, unchanged base first): chr5-132609311-TA-T. GRCh37 (hg19) VCF-style: chr5-131945003-TA-T.
Other names: short protein forms I984fs.
Identifiers: ClinVar variation 822350 (VCV000822350.4), dbSNP rs1581004875, ClinGen allele CA915942551.
Genomic context (GRCh38, chr5:132,609,311, plus strand): 5'-TTCATGTGCTTAAAGAATTTTCTTTTTTGTAGCAAAAAGAAACTGAACTTAATAAAGTAA[TA>T]GCTCAACTAAGTGAATGCGAGAAACACAAAGAAAAGATAAATGAAGATATGAGACTCATG-3'

ClinVar aggregate classification (germline): Pathogenic (1 of 4 stars; one submission).

Conditions:
Hereditary cancer-predisposing syndrome. Also called: Tumor predisposition; Hereditary Cancer Syndrome; Neoplastic Syndromes, Hereditary; Hereditary neoplastic syndrome. Identifiers: Orphanet 140162, MedGen C0027672, MeSH D009386, MONDO:0015356.

Submission:

Ambry Genetics
Classification: Pathogenic for Hereditary cancer-predisposing syndrome. Last evaluated: 2017-12-16. Review status: criteria provided, single submitter. Criteria: Ambry Variant Classification Scheme 2023. Collection method: clinical testing. Allele origin: germline.
Comment: The c.2952delA pathogenic mutation, located in coding exon 19 of the RAD50 gene, results from a deletion of one nucleotide at nucleotide position 2952, causing a translational frameshift with a predicted alternate stop codon (p.I984Mfs*4). This alteration is expected to result in loss of function by premature protein truncation or nonsense-mediated mRNA decay. As such, this alteration is interpreted as a disease-causing mutation.